The following is an entry in ClinVar:

ClinVar aggregate classification (germline): Conflicting classifications of pathogenicity. Review status: criteria provided, conflicting classifications (1 of 4 stars). 2 submissions from 2 submitters: Uncertain significance (1); Likely benign (1). Last evaluated 2025-04-07.

gnomAD v4.1: 21 of 1,546,722 alleles (0.0014%); highest among the groups gnomAD compares: East Asian, 0.043%; no homozygotes.

Submissions (2):

Ambry Genetics
Classification: Likely benign. Last evaluated: 2025-04-07. Review status: criteria provided, single submitter. Criteria: Ambry Variant Classification Scheme 2023. Collection method: clinical testing. Allele origin: germline.

Labcorp Genetics (formerly Invitae), Labcorp
Classification: Uncertain significance. Last evaluated: 2024-06-03. Review status: criteria provided, single submitter. Criteria: Invitae Variant Classification Sherloc (09022015). Collection method: clinical testing. Allele origin: germline.
Comment: This sequence change replaces valine, which is neutral and non-polar, with leucine, which is neutral and non-polar, at codon 1459 of the FBN3 protein (p.Val1459Leu). This variant is present in population databases (rs376575940, gnomAD 0.09%), and has an allele count higher than expected for a pathogenic variant. This variant has not been reported in the literature in individuals affected with FBN3-related conditions. ClinVar contains an entry for this variant (Variation ID: 1442133). Algorithms developed to predict the effect of missense changes on protein structure and function output the following: SIFT: "Not Available"; PolyPhen-2: "Benign"; Align-GVGD: "Not Available". The leucine amino acid residue is found in multiple mammalian species, which suggests that this missense change does not adversely affect protein function. In summary, the available evidence is currently insufficient to determine the role of this variant in disease. Therefore, it has been classified as a Variant of Uncertain Significance.

NM_032447.5(FBN3):c.4375G>T (p.Val1459Leu)

Gene: FBN3 (fibrillin 3; minus strand). Cytogenetic location: 19p13.2.
Variant type: single nucleotide variant.
Coding change: c.4375G>T on transcript NM_032447.5 (MANE Select); coding-DNA position 4375, G replaced by T.
Protein change: p.Val1459Leu; replaces valine 1459 with leucine.
Molecular consequence: missense variant.
Genome position (GRCh38, 1-based): chr19:8,109,712, C>A on the plus strand (G>T on the coding strand, the complement: FBN3 is on the minus strand). VCF-style: chr19-8109712-C-A. GRCh37 (hg19) VCF-style: chr19-8174596-C-A.
Other names: c.4375G>T (NM_032447.3); c.4375G>T, p.Val1459Leu (NM_001321431.2); short protein forms V1459L.
Identifiers: ClinVar variation 1442133 (VCV001442133.7), dbSNP rs376575940, ClinGen allele CA9152072.
Genomic context (GRCh38, chr19:8,109,712, plus strand): 5'-GGTTCAGCTCAAAATCCTGGGGGCAGCTGCAGAGGTAGCTGCCGGGGGTGTTAATGCACA[C>A]GCCGTTGATGCAGTTTACTGGGTCTGCACACTCGTTGATGTCTGTAGGGAGGAAGCGCGG-3'
Protein context (NP_115823.3, residues 1449-1469): CADPVNCING[Val1459Leu]CINTPGSYLC